The following is an entry in ClinVar:

ClinVar aggregate classification (germline): Conflicting classifications of pathogenicity. Review status: criteria provided, conflicting classifications (1 of 4 stars). 3 submissions from 3 submitters: Uncertain significance (2); Likely benign (1). Last evaluated 2023-03-23.

Conditions:
Hereditary cancer-predisposing syndrome. Also called: Hereditary neoplastic syndrome; Neoplastic Syndromes, Hereditary; Tumor predisposition; Hereditary Cancer Syndrome. Identifiers: Orphanet 140162, MedGen C0027672, MeSH D009386, MONDO:0015356.
Hereditary breast ovarian cancer syndrome. Also called: Hereditary breast and ovarian cancer syndrome (HBOC); BRCA1- and BRCA2-Associated Hereditary Breast and Ovarian Cancer; Hereditary breast and ovarian cancer syndrome; Breast and ovarian cancer; Hereditary breast and ovarian cancer; Hereditary breast and/or ovarian cancer syndrome. Identifiers: Orphanet 145, MedGen C0677776, MeSH D061325, MONDO:0003582. Disease mechanism: loss of function.

Submissions (3):

University of Washington Department of Laboratory Medicine, University of Washington
Classification: Likely benign for Hereditary cancer-predisposing syndrome. Last evaluated: 2023-03-23. Review status: criteria provided, single submitter. Criteria: Dines et al. (Genet Med. 2020). Collection method: curation. Allele origin: germline.
Comment: Missense variant in a coldspot region where missense variants are very unlikely to be pathogenic (PMID:31911673).

BRCA2 exon 11 coldspot. Reclassification based on statistical prior probability.

Ambry Genetics
Classification: Uncertain significance for Hereditary cancer-predisposing syndrome. Last evaluated: 2023-03-04. Review status: criteria provided, single submitter. Criteria: Ambry Variant Classification Scheme 2023. Collection method: clinical testing. Allele origin: germline.
Comment: The p.K2217E variant (also known as c.6649A>G), located in coding exon 10 of the BRCA2 gene, results from an A to G substitution at nucleotide position 6649. The lysine at codon 2217 is replaced by glutamic acid, an amino acid with similar properties. This amino acid position is conserved. In addition, the in silico prediction for this alteration is inconclusive. Since supporting evidence is limited at this time, the clinical significance of this alteration remains unclear.

Labcorp Genetics (formerly Invitae), Labcorp
Classification: Uncertain significance for Hereditary breast ovarian cancer syndrome. Last evaluated: 2023-02-22. Review status: criteria provided, single submitter. Criteria: Invitae Variant Classification Sherloc (09022015). Collection method: clinical testing. Allele origin: germline.
Comment: This variant is not present in population databases (gnomAD no frequency). This sequence change replaces lysine, which is basic and polar, with glutamic acid, which is acidic and polar, at codon 2217 of the BRCA2 protein (p.Lys2217Glu). This variant has not been reported in the literature in individuals affected with BRCA2-related conditions. In summary, the available evidence is currently insufficient to determine the role of this variant in disease. Therefore, it has been classified as a Variant of Uncertain Significance. Advanced modeling of protein sequence and biophysical properties (such as structural, functional, and spatial information, amino acid conservation, physicochemical variation, residue mobility, and thermodynamic stability) performed at Invitae indicates that this missense variant is not expected to disrupt BRCA2 protein function. ClinVar contains an entry for this variant (Variation ID: 531257).

NM_000059.4(BRCA2):c.6649A>G (p.Lys2217Glu)

Gene: BRCA2 (BRCA2 DNA repair associated; plus strand). Cytogenetic location: 13q13.1.
Variant type: single nucleotide variant.
Coding change: c.6649A>G on transcript NM_000059.4 (MANE Select); coding-DNA position 6649, A replaced by G.
Protein change: p.Lys2217Glu; replaces lysine 2217 with glutamic acid.
Molecular consequence: missense variant.
Genome position (GRCh38, 1-based): chr13:32,341,004, A>G. VCF-style: chr13-32341004-A-G. GRCh37 (hg19) VCF-style: chr13-32915141-A-G.
Other names: short protein forms K2217E.
Identifiers: ClinVar variation 531257 (VCV000531257.12), dbSNP rs1555284779, ClinGen allele CA387790385.